The following is an entry in ClinVar:

NM_001195248.2(APTX):c.-45C>G

Gene: APTX (aprataxin; minus strand). Cytogenetic location: 9p21.1.
Variant type: single nucleotide variant.
Coding change: c.-45C>G on transcript NM_001195248.2 (MANE Select); 45 bases upstream of the start codon, C replaced by G.
Molecular consequence: 5 prime UTR variant. On other transcripts: non-coding transcript variant (5), intron variant (8).
Genome position (GRCh38, 1-based): chr9:33,001,607, G>C on the plus strand (C>G on the coding strand, the complement: APTX is on the minus strand). VCF-style: chr9-33001607-G-C. GRCh37 (hg19) VCF-style: chr9-33001605-G-C.
Other names: c.-279C>G (NM_001195249.2); c.-45C>G (NM_001195250.2, NM_001195252.2, NM_175069.3); c.-151C>G (NM_001195251.2, NM_175073.3); c.-96C>G (NM_001195254.2, NM_001368998.1); c.-262C>G (NM_001369004.1); c.-410C>G (NM_001369005.1); c.-304C>G (NM_001369006.1, NM_001370669.1); c.-355C>G (NM_001370670.1); and 3 more.
Identifiers: ClinVar variation 516296 (VCV000516296.7), dbSNP rs371868908, ClinGen allele CA5022777.
Genomic context (GRCh38, chr9:33,001,607, plus strand): 5'-TAGGCTGACGACCGCCTTACCTCCAGAAGTCGGAGACGGACAAATTCACGTTACTCATCT[G>C]TGCCTCACCGCTTCCGGCGCTGCGGGATGACGTCAGAGGCCGGCTGTATCGCGACCAGTG-3'

ClinVar aggregate classification (germline): Conflicting classifications of pathogenicity. Review status: criteria provided, conflicting classifications (1 of 4 stars). 3 submissions from 3 submitters: Uncertain significance (1); Likely benign (1). 1 of the submissions does not count toward it. Last evaluated 2018-01-13.

Conditions:
APTX-related disorder. Also called: APTX-related condition.
Ataxia, early-onset, with oculomotor apraxia and hypoalbuminemia (EAOH). Also called: ATAXIA-OCULOMOTOR APRAXIA SYNDROME; ATAXIA-TELANGIECTASIA-LIKE SYNDROME; Ataxia-oculomotor apraxia type 1. Identifiers: Orphanet 1168, MedGen C1859598, MONDO:0008842, OMIM 208920.

Allele frequency attached by ClinVar (database versions not stated): ExAC 0.00016; gnomAD exomes 0.00018; 1000 Genomes Project 0.00020; 1000 Genomes Project 30x 0.00031; ESP Exome Variant Server 0.00062; gnomAD 0.00065 and 0.00076; TOPMed 0.00083.
gnomAD v4.1: 206 of 1,613,936 alleles (0.013%); highest among the groups gnomAD compares: African/African-American, 0.23%; no homozygotes.

Submissions (3):

Illumina Laboratory Services, Illumina
Classification: Uncertain significance for Ataxia, early-onset, with oculomotor apraxia and hypoalbuminemia. Last evaluated: 2018-01-13. Review status: criteria provided, single submitter. Criteria: ICSL Variant Classification Criteria 13 December 2019. Collection method: clinical testing. Allele origin: germline.

GeneDx
Classification: Likely benign. Last evaluated: 2017-05-09. Review status: criteria provided, single submitter. Criteria: GeneDx Variant Classification (06012015). Collection method: clinical testing. Allele origin: germline. Affected: yes.
Comment: This variant is considered likely benign or benign based on one or more of the following criteria: it is a conservative change, it occurs at a poorly conserved position in the protein, it is predicted to be benign by multiple in silico algorithms, and/or has population frequency not consistent with disease.

PreventionGenetics, part of Exact Sciences
Classification: Likely benign for APTX-related condition. Last evaluated: 2019-07-10. Review status: no assertion criteria provided. Collection method: clinical testing. Allele origin: germline. Not counted in ClinVar's aggregate classification.
Comment: This variant is classified as likely benign based on ACMG/AMP sequence variant interpretation guidelines (Richards et al. 2015 PMID: 25741868, with internal and published modifications).